The following is an entry in ClinVar:

NM_181672.3(OGT):c.1769G>T (p.Cys590Phe)

Gene: OGT (O-linked N-acetylglucosamine (GlcNAc) transferase; plus strand). Cytogenetic location: Xq13.1.
Variant type: single nucleotide variant.
Coding change: c.1769G>T on transcript NM_181672.3 (MANE Select); coding-DNA position 1769, G replaced by T.
Protein change: p.Cys590Phe; replaces cysteine 590 with phenylalanine.
Molecular consequence: missense variant.
Genome position (GRCh38, 1-based): chrX:71,559,595, G>T. VCF-style: chrX-71559595-G-T. GRCh37 (hg19) VCF-style: chrX-70779445-G-T.
Other names: c.1739G>T, p.Cys580Phe (NM_181673.3); short protein forms C580F, C590F.
Identifiers: ClinVar variation 1186977 (VCV001186977.2), dbSNP rs2147686196, ClinGen allele CA413557073.

ClinVar aggregate classification (germline): Likely pathogenic (1 of 4 stars; one submission).

Submission:

GeneDx
Classification: Likely pathogenic. Last evaluated: 2019-08-16. Review status: criteria provided, single submitter. Criteria: GeneDx Variant Classification Process June 2021. Collection method: clinical testing. Allele origin: germline. Affected: yes.
Comment: Not observed in large population cohorts (Lek et al., 2016); In silico analysis, which includes protein predictors and evolutionary conservation, supports a deleterious effect; Has not been previously published as pathogenic or benign to our knowledge